The following is an entry in ClinVar:

ClinVar aggregate classification (germline): Uncertain significance (1 of 4 stars; one submission).

Conditions:
Hereditary cancer-predisposing syndrome. Also called: Hereditary Cancer Syndrome; Tumor predisposition; Hereditary neoplastic syndrome; Neoplastic Syndromes, Hereditary. Identifiers: Orphanet 140162, MedGen C0027672, MeSH D009386, MONDO:0015356.

gnomAD v4.1: 1 of 1,612,998 alleles (0.000062%); no homozygotes.

Submission:

Ambry Genetics
Classification: Uncertain significance for Hereditary cancer-predisposing syndrome. Last evaluated: 2024-10-19. Review status: criteria provided, single submitter. Criteria: Ambry Variant Classification Scheme 2023. Collection method: clinical testing. Allele origin: germline.
Comment: The p.Q630H variant (also known as c.1890G>T), located in coding exon 16 of the MRE11A gene, results from a G to T substitution at nucleotide position 1890. The glutamine at codon 630 is replaced by histidine, an amino acid with highly similar properties. This amino acid position is conserved. In addition, the in silico prediction for this alteration is inconclusive. Based on the available evidence, the clinical significance of this variant remains unclear.

NM_005591.4(MRE11):c.1890G>T (p.Gln630His)

Gene: MRE11 (MRE11 double strand break repair nuclease; minus strand). Cytogenetic location: 11q21.
Variant type: single nucleotide variant.
Coding change: c.1890G>T on transcript NM_005591.4 (MANE Select); coding-DNA position 1890, G replaced by T.
Protein change: p.Gln630His; replaces glutamine 630 with histidine.
Molecular consequence: missense variant.
Genome position (GRCh38, 1-based): chr11:94,437,213, C>A on the plus strand (G>T on the coding strand, the complement: MRE11 is on the minus strand). VCF-style: chr11-94437213-C-A. GRCh37 (hg19) VCF-style: chr11-94170379-C-A.
Other names: c.1887G>T, p.Gln629His (NM_001330347.2); c.1806G>T, p.Gln602His (NM_005590.4); short protein forms Q629H, Q630H, Q602H.
Identifiers: ClinVar variation 3397875 (VCV003397875.1).